The following is an entry in ClinVar:

ClinVar aggregate classification (germline): Uncertain significance. Review status: criteria provided, multiple submitters, no conflicts (2 of 4 stars). 3 submissions from 3 submitters: Uncertain significance (3). Last evaluated 2022-03-29.

Conditions:
Inborn genetic diseases. Identifiers: MedGen C0950123, MeSH D030342.
Giant axonal neuropathy 1 (GAN1). Also called: GAN-Related Neurodegeneration; GIANT AXONAL NEUROPATHY 1, AUTOSOMAL RECESSIVE. Identifiers: Orphanet 643, MedGen C1850386, MONDO:0009749, OMIM 256850.

Allele frequency attached by ClinVar (database versions not stated): gnomAD 0.00001; gnomAD exomes 0.00001; TOPMed 0.00001.
gnomAD v4.1: 9 of 1,613,488 alleles (0.00056%); highest among the groups gnomAD compares: East Asian, 0.0045%; no homozygotes.

Submissions (3):

Labcorp Genetics (formerly Invitae), Labcorp
Classification: Uncertain significance for Giant axonal neuropathy 1. Last evaluated: 2022-03-29. Review status: criteria provided, single submitter. Criteria: Invitae Variant Classification Sherloc (09022015). Collection method: clinical testing. Allele origin: germline.
Comment: This sequence change replaces arginine, which is basic and polar, with histidine, which is basic and polar, at codon 479 of the GAN protein (p.Arg479His). This variant is present in population databases (rs750919773, gnomAD 0.006%). This variant has not been reported in the literature in individuals affected with GAN-related conditions. ClinVar contains an entry for this variant (Variation ID: 965559). Algorithms developed to predict the effect of missense changes on protein structure and function (SIFT, PolyPhen-2, Align-GVGD) all suggest that this variant is likely to be tolerated. In summary, the available evidence is currently insufficient to determine the role of this variant in disease. Therefore, it has been classified as a Variant of Uncertain Significance.

Ambry Genetics
Classification: Uncertain significance for Inborn genetic diseases. Last evaluated: 2020-05-19. Review status: criteria provided, single submitter. Criteria: Ambry Variant Classification Scheme 2023. Collection method: clinical testing. Allele origin: germline.
Comment: The p.R479H variant (also known as c.1436G>A), located in coding exon 9 of the GAN gene, results from a G to A substitution at nucleotide position 1436. The arginine at codon 479 is replaced by histidine, an amino acid with highly similar properties. This amino acid position is well conserved in available vertebrate species. In addition, this alteration is predicted to be tolerated by in silico analysis. Since supporting evidence is limited at this time, the clinical significance of this alteration remains unclear.

Breakthrough Genomics
Classification: Uncertain significance. Review status: criteria provided, single submitter. Criteria: ACMG Guidelines, 2015. Collection method: not provided. Allele origin: germline. Inheritance: Autosomal recessive inheritance. Affected: yes.

NM_022041.4(GAN):c.1436G>A (p.Arg479His)

Gene: GAN (gigaxonin; plus strand). Cytogenetic location: 16q23.2.
Variant type: single nucleotide variant.
Coding change: c.1436G>A on transcript NM_022041.4 (MANE Select); coding-DNA position 1436, G replaced by A.
Protein change: p.Arg479His; replaces arginine 479 with histidine.
Molecular consequence: missense variant.
Genome position (GRCh38, 1-based): chr16:81,365,412, G>A. VCF-style: chr16-81365412-G-A. GRCh37 (hg19) VCF-style: chr16-81399017-G-A.
Other names: c.797G>A, p.Arg266His (NM_001377486.1); short protein forms R479H, R266H.
Identifiers: ClinVar variation 965559 (VCV000965559.10), dbSNP rs750919773, ClinGen allele CA284270071.
Genomic context (GRCh38, chr16:81,365,412, plus strand): 5'-TTGGAGCGGTGGCCTGTGGAGTTGCTATGGAGCTGTATGTGTTTGGGGGAGTCCGAAGTC[G>A]TGAGGACGCCCAGGGTAGCGAGATGGTAACTTGCAAGTCCGAGTTCTACCATGATGAGTT-3'
Protein context (NP_071324.1, residues 469-489): ELYVFGGVRS[Arg479His]EDAQGSEMVT